The following is an entry in ClinVar:

NM_022436.3(ABCG5):c.388T>C (p.Ser130Pro)

Gene: ABCG5 (ATP binding cassette subfamily G member 5; minus strand). Cytogenetic location: 2p21.
Variant type: single nucleotide variant.
Coding change: c.388T>C on transcript NM_022436.3 (MANE Select); coding-DNA position 388, T replaced by C.
Protein change: p.Ser130Pro; replaces serine 130 with proline.
Molecular consequence: missense variant.
Genome position (GRCh38, 1-based): chr2:43,831,961, A>G on the plus strand (T>C on the coding strand, the complement: ABCG5 is on the minus strand). VCF-style: chr2-43831961-A-G. GRCh37 (hg19) VCF-style: chr2-44059100-A-G.
Other names: p.Ser130Pro; short protein forms S130P.
Identifiers: ClinVar variation 4540640 (VCV004540640.1).

ClinVar aggregate classification (germline): Uncertain significance (1 of 4 stars; one submission).

gnomAD v4.1: 3 of 1,550,558 alleles (0.00019%); highest among the groups gnomAD compares: Non-Finnish European, 0.00026%; no homozygotes.

Submission:

Mayo Clinic Laboratories, Mayo Clinic
Classification: Uncertain significance. Last evaluated: 2025-03-06. Review status: criteria provided, single submitter. Criteria: ACMG Guidelines, 2015. Collection method: clinical testing. Allele origin: germline. Observed: 1 variant allele.
Comment: PP3, PM2_supporting